The following is an entry in ClinVar:

ClinVar aggregate classification (germline): Uncertain significance. Review status: criteria provided, multiple submitters, no conflicts (2 of 4 stars). 3 submissions from 3 submitters: Uncertain significance (3). Last evaluated 2025-10-29.

Conditions:
Cone-rod dystrophy 7 (CORD7). Identifiers: Orphanet 1872, MedGen C1863634, MONDO:0011355, OMIM 603649.

Allele frequency attached by ClinVar (database versions not stated): gnomAD exomes 0.00002 and 0.00001; TOPMed 0.00002; gnomAD 0.00001; ExAC 0.00002.
gnomAD v4.1: 29 of 1,608,026 alleles (0.0018%); highest among the groups gnomAD compares: African/African-American, 0.0027%; no homozygotes.

Submissions (3):

Labcorp Genetics (formerly Invitae), Labcorp
Classification: Uncertain significance. Last evaluated: 2025-10-29. Review status: criteria provided, single submitter. Criteria: Invitae Variant Classification Sherloc (09022015). Collection method: clinical testing. Allele origin: germline.
Comment: This sequence change replaces isoleucine, which is neutral and non-polar, with methionine, which is neutral and non-polar, at codon 1504 of the RIMS1 protein (p.Ile1504Met). This variant is present in population databases (rs746893761, gnomAD 0.01%). This variant has not been reported in the literature in individuals affected with RIMS1-related conditions. ClinVar contains an entry for this variant (Variation ID: 357860). An algorithm developed to predict the effect of missense changes on protein structure and function (PolyPhen-2) suggests that this variant is likely to be tolerated. In summary, the available evidence is currently insufficient to determine the role of this variant in disease. Therefore, it has been classified as a Variant of Uncertain Significance.

Ambry Genetics
Classification: Uncertain significance. Last evaluated: 2025-08-20. Review status: criteria provided, single submitter. Criteria: Ambry Variant Classification Scheme 2023. Collection method: clinical testing. Allele origin: germline.

Illumina Laboratory Services, Illumina
Classification: Uncertain significance for Cone-rod dystrophy 7. Last evaluated: 2018-01-13. Review status: criteria provided, single submitter. Criteria: ICSL Variant Classification Criteria 13 December 2019. Collection method: clinical testing. Allele origin: germline.

NM_014989.7(RIMS1):c.4512A>G (p.Ile1504Met)

Gene: RIMS1 (regulating synaptic membrane exocytosis 1; plus strand). Cytogenetic location: 6q13.
Variant type: single nucleotide variant.
Coding change: c.4512A>G on transcript NM_014989.7 (MANE Select); coding-DNA position 4512, A replaced by G.
Protein change: p.Ile1504Met; replaces isoleucine 1504 with methionine.
Molecular consequence: missense variant.
Genome position (GRCh38, 1-based): chr6:72,392,704, A>G. VCF-style: chr6-72392704-A-G. GRCh37 (hg19) VCF-style: chr6-73102406-A-G.
Other names: c.2472A>G, p.Ile824Met (NM_001168407.2); c.1887A>G, p.Ile629Met (NM_001168408.2, NM_001350430.2); c.1716A>G, p.Ile572Met (NM_001168409.2); c.1914A>G, p.Ile638Met (NM_001168410.2); c.93A>G, p.Ile31Met (NM_001168411.2); c.2433A>G, p.Ile811Met (NM_001350414.2); c.2529A>G, p.Ile843Met (NM_001350415.2); c.2478A>G, p.Ile826Met (NM_001350416.2); and 55 more; short protein forms I1504M, I548M, I577M, I578M, I605M, I606M, I630M, I653M.
Identifiers: ClinVar variation 357860 (VCV000357860.17), dbSNP rs746893761, ClinGen allele CA3886544.
Genomic context (GRCh38, chr6:72,392,704, plus strand): 5'-ATTCTAGAAGATTTCATGGGTTTTTTCCTTTGGTTTTTATCCTTTTGCTGATAGTTTAAT[A>G]TTTCCTGGAGTGCGACTGGGAGCTGACAGTCAATTCAGTGATTTTCTTGATGGATTGGGA-3'
Protein context (NP_055804.2, residues 1494-1514): INSYSSEGNL[Ile1504Met]FPGVRLGADS